The following is an entry in ClinVar:

NM_001365951.3(KIF1B):c.5356G>A (p.Asp1786Asn)

Gene: KIF1B (kinesin family member 1B; plus strand). Cytogenetic location: 1p36.22.
Variant type: single nucleotide variant.
Coding change: c.5356G>A on transcript NM_001365951.3 (MANE Select); coding-DNA position 5356, G replaced by A.
Protein change: p.Asp1786Asn; replaces aspartic acid 1786 with asparagine.
Molecular consequence: missense variant.
Genome position (GRCh38, 1-based): chr1:10,375,321, G>A. VCF-style: chr1-10375321-G-A. GRCh37 (hg19) VCF-style: chr1-10435379-G-A.
Other names: c.5356G>A, p.Asp1786Asn (NM_001365952.1); c.5218G>A, p.Asp1740Asn (NM_015074.3); short protein forms D1786N, D1740N.
Identifiers: ClinVar variation 2824054 (VCV002824054.3), dbSNP rs2521986721, ClinGen allele CA338331939.

ClinVar aggregate classification (germline): Uncertain significance (1 of 4 stars; one submission).

Conditions:
Charcot-Marie-Tooth disease type 2. Also called: Charcot-Marie-Tooth type 2. Identifiers: Orphanet 64746, MedGen C0270914, MONDO:0018993.

Submission:

Labcorp Genetics (formerly Invitae), Labcorp
Classification: Uncertain significance for Charcot-Marie-Tooth disease type 2. Last evaluated: 2022-12-25. Review status: criteria provided, single submitter. Criteria: Invitae Variant Classification Sherloc (09022015). Collection method: clinical testing. Allele origin: germline.
Comment: This sequence change replaces aspartic acid, which is acidic and polar, with asparagine, which is neutral and polar, at codon 1740 of the KIF1B protein (p.Asp1740Asn). This variant is not present in population databases (gnomAD no frequency). This variant has not been reported in the literature in individuals affected with KIF1B-related conditions. Algorithms developed to predict the effect of missense changes on protein structure and function are either unavailable or do not agree on the potential impact of this missense change (SIFT: "Deleterious"; PolyPhen-2: "Probably Damaging"; Align-GVGD: "Class C0"). In summary, the available evidence is currently insufficient to determine the role of this variant in disease. Therefore, it has been classified as a Variant of Uncertain Significance.